The following is an entry in ClinVar:

NM_001625.4(AK2):c.31G>A (p.Glu11Lys)

Genes: AK2 (adenylate kinase 2; minus strand), LOC129930068 (ATAC-STARR-seq lymphoblastoid active region 705; plus strand). Cytogenetic location: 1p35.1.
Variant type: single nucleotide variant.
Coding change: c.31G>A on transcript NM_001625.4 (MANE Select); coding-DNA position 31, G replaced by A.
Protein change: p.Glu11Lys; replaces glutamic acid 11 with lysine.
Molecular consequence: missense variant. On other transcripts: 5 prime UTR variant (2), non-coding transcript variant (1).
Genome position (GRCh38, 1-based): chr1:33,036,798, C>T on the plus strand (G>A on the coding strand, the complement: AK2 is on the minus strand). VCF-style: chr1-33036798-C-T. GRCh37 (hg19) VCF-style: chr1-33502399-C-T.
Other names: c.31G>A, p.Glu11Lys (NM_001199199.3, NM_001319141.3, NM_001319142.3 and 2 more transcripts); c.-232G>A (NM_001319139.3, NM_001319140.2); short protein forms E11K.
Identifiers: ClinVar variation 944829 (VCV000944829.9), dbSNP rs751145915, ClinGen allele CA747286.

ClinVar aggregate classification (germline): Uncertain significance (1 of 4 stars; one submission).

Conditions:
Reticular dysgenesis. Also called: ALEUKOCYTOSIS; CONGENITAL ALEUKIA; HEMATOPOIETIC HYPOPLASIA, GENERALIZED; RETICULAR DYSGENESIA; SEVERE COMBINED IMMUNODEFICIENCY WITH LEUKOPENIA; DeVaal disease. Identifiers: Orphanet 33355, MedGen C0272167, MONDO:0009973, OMIM 267500.

Allele frequency attached by ClinVar (database versions not stated): gnomAD 0.00001; gnomAD exomes 0.00001; TOPMed 0.00001; ExAC 0.00004.

Submission:

Labcorp Genetics (formerly Invitae), Labcorp
Classification: Uncertain significance for Reticular dysgenesis. Last evaluated: 2023-11-20. Review status: criteria provided, single submitter. Criteria: Invitae Variant Classification Sherloc (09022015). Collection method: clinical testing. Allele origin: germline.
Comment: This sequence change replaces glutamic acid, which is acidic and polar, with lysine, which is basic and polar, at codon 11 of the AK2 protein (p.Glu11Lys). The frequency data for this variant in the population databases is considered unreliable, as metrics indicate poor data quality at this position in the gnomAD database. This variant has not been reported in the literature in individuals affected with AK2-related conditions. ClinVar contains an entry for this variant (Variation ID: 944829). Algorithms developed to predict the effect of missense changes on protein structure and function output the following: SIFT: "Not Available"; PolyPhen-2: "Benign"; Align-GVGD: "Not Available". The lysine amino acid residue is found in multiple mammalian species, which suggests that this missense change does not adversely affect protein function. In summary, the available evidence is currently insufficient to determine the role of this variant in disease. Therefore, it has been classified as a Variant of Uncertain Significance.